The following is an entry in ClinVar:

NM_000343.4(SLC5A1):c.418C>G (p.Arg140Gly)

Gene: SLC5A1 (solute carrier family 5 member 1; plus strand). Cytogenetic location: 22q12.3.
Variant type: single nucleotide variant.
Coding change: c.418C>G on transcript NM_000343.4 (MANE Select); coding-DNA position 418, C replaced by G.
Protein change: p.Arg140Gly; replaces arginine 140 with glycine.
Molecular consequence: missense variant.
Genome position (GRCh38, 1-based): chr22:32,068,541, C>G. VCF-style: chr22-32068541-C-G. GRCh37 (hg19) VCF-style: chr22-32464528-C-G.
Other names: c.37C>G, p.Arg13Gly (NM_001256314.2); short protein forms R13G, R140G.
Identifiers: ClinVar variation 2632257 (VCV002632257.2), dbSNP rs748242943, ClinGen allele CA411299114.

ClinVar aggregate classification (germline): Uncertain significance (0 of 4 stars; one submission).

Conditions:
SLC5A1-related disorder. Also called: SLC5A1-related condition.

Allele frequency attached by ClinVar (database versions not stated): TOPMed below 0.00001.

Submission:

PreventionGenetics, part of Exact Sciences
Classification: Uncertain significance for SLC5A1-related condition. Last evaluated: 2024-07-08. Review status: no assertion criteria provided. Collection method: clinical testing. Allele origin: germline.
Comment: The SLC5A1 c.418C>G variant is predicted to result in the amino acid substitution p.Arg140Gly. To our knowledge, this variant has not been reported in the literature or in a large population database, indicating this variant is rare. At this time, the clinical significance of this variant is uncertain due to the absence of conclusive functional and genetic evidence.